The following is an entry in ClinVar:

NM_000612.6(IGF2):c.113T>A (p.Val38Glu)

Genes: IGF2 (insulin like growth factor 2; minus strand), INS-IGF2 (INS-IGF2 readthrough; minus strand). Cytogenetic location: 11p15.5.
Variant type: single nucleotide variant.
Coding change: c.113T>A on transcript NM_000612.6 (MANE Select); coding-DNA position 113, T replaced by A.
Protein change: p.Val38Glu; replaces valine 38 with glutamic acid.
Molecular consequence: missense variant. On other transcripts: non-coding transcript variant (1).
Genome position (GRCh38, 1-based): chr11:2,135,411, A>T on the plus strand (T>A on the coding strand, the complement: IGF2 is on the minus strand). VCF-style: chr11-2135411-A-T. GRCh37 (hg19) VCF-style: chr11-2156641-A-T.
Other names: c.113T>A, p.Val38Glu (NM_001007139.6, NM_001291861.3, NM_001291862.3); c.281T>A, p.Val94Glu (NM_001127598.3); short protein forms V38E, V94E.
Identifiers: ClinVar variation 3359857 (VCV003359857.1).

ClinVar aggregate classification (germline): Uncertain significance (1 of 4 stars; one submission).

Submission:

GeneDx
Classification: Uncertain significance. Last evaluated: 2023-06-14. Review status: criteria provided, single submitter. Criteria: GeneDx Variant Classification Process June 2021. Collection method: clinical testing. Allele origin: germline. Affected: yes.
Comment: Not observed at significant frequency in large population cohorts (gnomAD); In silico analysis supports that this missense variant has a deleterious effect on protein structure/function; Has not been previously published as pathogenic or benign to our knowledge